The following is an entry in ClinVar:

ClinVar aggregate classification (germline): Uncertain significance (1 of 4 stars; one submission).

Allele frequency attached by ClinVar (database versions not stated): gnomAD exomes below 0.00001; ExAC 0.00001.
gnomAD v4.1: 1 of 1,614,034 alleles (0.000062%); highest among the groups gnomAD compares: East Asian, 0.0022%; no homozygotes.

Submission:

Labcorp Genetics (formerly Invitae), Labcorp
Classification: Uncertain significance. Last evaluated: 2023-11-08. Review status: criteria provided, single submitter. Criteria: Invitae Variant Classification Sherloc (09022015). Collection method: clinical testing. Allele origin: germline.
Comment: This sequence change replaces serine, which is neutral and polar, with arginine, which is basic and polar, at codon 1095 of the ALPK3 protein (p.Ser1095Arg). This variant is present in population databases (rs751621074, gnomAD 0.006%). This variant has not been reported in the literature in individuals affected with ALPK3-related conditions. Algorithms developed to predict the effect of missense changes on protein structure and function output the following: SIFT: "Not Available"; PolyPhen-2: "Benign"; Align-GVGD: "Not Available". The arginine amino acid residue is found in multiple mammalian species, which suggests that this missense change does not adversely affect protein function. In summary, the available evidence is currently insufficient to determine the role of this variant in disease. Therefore, it has been classified as a Variant of Uncertain Significance.

NM_020778.5(ALPK3):c.2677A>C (p.Ser893Arg)

Gene: ALPK3 (alpha kinase 3; plus strand). Cytogenetic location: 15q25.3.
Variant type: single nucleotide variant.
Coding change: c.2677A>C on transcript NM_020778.5 (MANE Select); coding-DNA position 2677, A replaced by C.
Protein change: p.Ser893Arg; replaces serine 893 with arginine.
Molecular consequence: missense variant.
Genome position (GRCh38, 1-based): chr15:84,857,415, A>C. VCF-style: chr15-84857415-A-C. GRCh37 (hg19) VCF-style: chr15-85400646-A-C.
Other names: short protein forms S893R.
Identifiers: ClinVar variation 2868478 (VCV002868478.3), dbSNP rs751621074, ClinGen allele CA7709472.